The following is an entry in ClinVar:

ClinVar aggregate classification (germline): Pathogenic/Likely pathogenic. Review status: criteria provided, multiple submitters, no conflicts (2 of 4 stars). 2 submissions from 2 submitters: Pathogenic (1); Likely pathogenic (1). Last evaluated 2025-09-10.

Conditions:
Hereditary hemorrhagic telangiectasia (HHT). Also called: Osler hemorrhagic telangiectasia syndrome; ORW DISEASE; Osler Weber Rendu syndrome; OSLER-RENDU-WEBER DISEASE. Identifiers: Orphanet 774, MedGen C0039445, MONDO:0019180. Disease mechanism: loss of function.

Submissions (2):

Labcorp Genetics (formerly Invitae), Labcorp
Classification: Likely pathogenic for Hereditary hemorrhagic telangiectasia. Last evaluated: 2025-09-10. Review status: criteria provided, single submitter. Criteria: Invitae Variant Classification Sherloc (09022015). Collection method: clinical testing. Allele origin: germline.
Comment: This sequence change affects a donor splice site in intron 9 of the ENG gene. It is expected to disrupt RNA splicing. Variants that disrupt the donor or acceptor splice site typically lead to a loss of protein function (PMID: 16199547), and loss-of-function variants in ENG are known to be pathogenic (PMID: 15879500). This variant is not present in population databases (gnomAD no frequency). This variant has not been reported in the literature in individuals affected with ENG-related conditions. ClinVar contains an entry for this variant (Variation ID: 213209). Algorithms developed to predict the effect of sequence changes on RNA splicing suggest that this variant may disrupt the consensus splice site. In summary, the currently available evidence indicates that the variant is pathogenic, but additional data are needed to prove that conclusively. Therefore, this variant has been classified as Likely Pathogenic.

GeneDx
Classification: Pathogenic. Last evaluated: 2015-05-12. Review status: criteria provided, single submitter. Criteria: GeneDx Variant Classification (06012015). Collection method: clinical testing. Allele origin: germline. Affected: yes.
Comment: c.1272+1 G>A: IVS9+1 G>A in intron 9 of the ENG gene (NM_000118.2) Although the c.1272+1 G>A mutation has not been reported as a disease-causing mutation or as a benign polymorphism to our knowledge, this mutation destroys the canonical splice donor site in intron 9 and is predicted to cause abnormal gene splicing. The mutation is predicted to lead to either an abnormal message that is subject to nonsense-mediated mRNA decay, or to an abnormal protein product if the message is used for protein translation. Other splice site mutations in the ENG gene, including several involving the splice acceptor site in intron 9, have been reported in association with HHT. Further, the c.1272+1 G>A variant was not observed in approximately 6,400 individuals of European and African American ancestry in the NHLBI Exome Sequencing Project, indicating it is not a common benign variant in these populations. In summary, c.1272+1 G>A in the ENG gene is interpreted as a disease-causing mutation. This variant was found in HHT-PANCARD

Literature cited by the submitters: PubMed 16199547 (cited by Labcorp Genetics (formerly Invitae), Labcorp); PubMed 15879500 (cited by Labcorp Genetics (formerly Invitae), Labcorp).

NM_001114753.3(ENG):c.1272+1G>A

Genes: ENG (endoglin; minus strand), LOC102723566 (uncharacterized LOC102723566; plus strand). Cytogenetic location: 9q34.11.
Variant type: single nucleotide variant.
Coding change: c.1272+1G>A on transcript NM_001114753.3 (MANE Select); the canonical splice donor site of the intron after coding-DNA position 1272, G replaced by A.
Molecular consequence: splice donor variant.
Genome position (GRCh38, 1-based): chr9:127,819,899, C>T on the plus strand (G>A on the coding strand, the complement: ENG is on the minus strand). VCF-style: chr9-127819899-C-T. GRCh37 (hg19) VCF-style: chr9-130582178-C-T.
Other names: c.1272+1G>A (NM_000118.4); c.726+1G>A (NM_001278138.2).
Identifiers: ClinVar variation 213209 (VCV000213209.5), dbSNP rs773073663, ClinGen allele CA320498.